The following is an entry in ClinVar:

ClinVar aggregate classification (germline): Conflicting classifications of pathogenicity. Review status: criteria provided, conflicting classifications (1 of 4 stars). 3 submissions from 3 submitters: Uncertain significance (2); Likely benign (1). Last evaluated 2025-09-09.

Conditions:
Hereditary cancer-predisposing syndrome. Also called: Tumor predisposition; Hereditary Cancer Syndrome; Hereditary neoplastic syndrome; Neoplastic Syndromes, Hereditary. Identifiers: Orphanet 140162, MedGen C0027672, MeSH D009386, MONDO:0015356.
Familial adenomatous polyposis 2. Also called: FAP type 2; MUTYH Polyposis; COLORECTAL ADENOMATOUS POLYPOSIS, AUTOSOMAL RECESSIVE; ADENOMAS, MULTIPLE COLORECTAL, AUTOSOMAL RECESSIVE; MUTYH-associated polyposis; MUTYH-related attenuated familial adenomatous polyposis. Identifiers: Orphanet 220460, Orphanet 247798, MedGen C3272841, MONDO:0012041, OMIM 608456.

Submissions (3):

Ambry Genetics
Classification: Likely benign for Hereditary cancer-predisposing syndrome. Last evaluated: 2025-09-09. Review status: criteria provided, single submitter. Criteria: Ambry Variant Classification Scheme 2023. Collection method: clinical testing. Allele origin: germline.

Baylor Genetics
Classification: Uncertain significance for Familial adenomatous polyposis 2. Last evaluated: 2024-03-13. Review status: criteria provided, single submitter. Criteria: ACMG Guidelines, 2015. Collection method: clinical testing. Allele origin: unknown.

Color Diagnostics, LLC DBA Color Health
Classification: Uncertain significance for Hereditary cancer-predisposing syndrome. Last evaluated: 2024-03-06. Review status: criteria provided, single submitter. Criteria: ACMG Guidelines, 2015. Collection method: clinical testing. Allele origin: germline.
Comment: This missense variant replaces valine with alanine at codon 496 of the MUTYH protein. Computational prediction suggests that this variant may not impact protein structure and function (internally defined REVEL score threshold <= 0.5, PMID: 27666373). To our knowledge, functional studies have not been reported for this variant. This variant has not been reported in individuals affected with hereditary cancer in the literature. This variant has not been identified in the general population by the Genome Aggregation Database (gnomAD). The available evidence is insufficient to determine the role of this variant in disease conclusively. Therefore, this variant is classified as a Variant of Uncertain Significance.

NM_001048174.2(MUTYH):c.1403T>C (p.Val468Ala)

Gene: MUTYH (mutY DNA glycosylase; minus strand). Cytogenetic location: 1p34.1.
Variant type: single nucleotide variant.
Coding change: c.1403T>C on transcript NM_001048174.2 (MANE Select); coding-DNA position 1403, T replaced by C.
Protein change: p.Val468Ala; replaces valine 468 with alanine.
Molecular consequence: missense variant. On other transcripts: non-coding transcript variant (2).
Genome position (GRCh38, 1-based): chr1:45,330,547, A>G on the plus strand (T>C on the coding strand, the complement: MUTYH is on the minus strand). VCF-style: chr1-45330547-A-G. GRCh37 (hg19) VCF-style: chr1-45796219-A-G.
Other names: c.1403T>C, p.Val468Ala (NM_001048171.2, NM_001048173.2, NM_001293195.2); c.1406T>C, p.Val469Ala (NM_001048172.2); c.1487T>C, p.Val496Ala (NM_001128425.2); c.1448T>C, p.Val483Ala (NM_001293190.2); c.1436T>C, p.Val479Ala (NM_001293191.2); c.1127T>C, p.Val376Ala (NM_001293192.2, NM_001293196.2); c.1058T>C, p.Val353Ala (NM_001350650.2, NM_001350651.2); c.1478T>C, p.Val493Ala (NM_012222.3); short protein forms V353A, V496A, V376A, V483A, V468A, V469A, V479A, V493A.
Identifiers: ClinVar variation 819350 (VCV000819350.9), dbSNP rs1570346203, ClinGen allele CA340132392.
Genomic context (GRCh38, chr1:45,330,547, plus strand): 5'-CACGGTTGGGAGAGGCCTAGGAGACTTACCATACAGGTCCCTGGCTGTTGGCCCTGATAC[A>G]CACGGAAAACCTAGACAAGAAGACAGGGAGGTGAGGGCTGGCACTTTTTGCAAAAGAGAT-3'
Protein context (NP_001041639.1, residues 458-478): VSTAMKKVFR[Val468Ala]YQGQQPGTCM